The following is an entry in ClinVar:

NM_001367493.1(ARHGEF4):c.4611C>T (p.Phe1537=)

Gene: ARHGEF4 (Rho guanine nucleotide exchange factor 4; plus strand). Cytogenetic location: 2q21.1.
Variant type: single nucleotide variant.
Coding change: c.4611C>T on transcript NM_001367493.1 (MANE Select); coding-DNA position 4611, C replaced by T.
Protein change: p.Phe1537=; no amino-acid change (phenylalanine 1537 retained).
Molecular consequence: synonymous variant.
Genome position (GRCh38, 1-based): chr2:131,040,389, C>T. VCF-style: chr2-131040389-C-T. GRCh37 (hg19) VCF-style: chr2-131797962-C-T.
Other names: c.1098C>T, p.Phe366= (NM_001375900.1); c.942C>T, p.Phe314= (NM_001375901.1); c.900C>T, p.Phe300= (NM_001375902.1); c.843C>T, p.Phe281= (NM_001375903.1); c.684C>T, p.Phe228= (NM_001375904.1); c.432C>T, p.Phe144= (NM_001395416.1); c.1053C>T, p.Phe351= (NM_015320.4).
Identifiers: ClinVar variation 3050579 (VCV003050579.2), dbSNP rs142210980, ClinGen allele CA1875212.

ClinVar aggregate classification (germline): Likely benign (0 of 4 stars; one submission).

Conditions:
ARHGEF4-related disorder. Also called: ARHGEF4-related condition.

Allele frequency attached by ClinVar (database versions not stated): gnomAD exomes 0.00013; ExAC 0.00054; 1000 Genomes Project 30x 0.00078; 1000 Genomes Project 0.00100; ESP Exome Variant Server 0.00100; gnomAD 0.00117; TOPMed 0.00138.
gnomAD v4.1: 369 of 1,608,606 alleles (0.023%); highest among the groups gnomAD compares: African/African-American, 0.41%; 2 homozygotes.

Submission:

PreventionGenetics, part of Exact Sciences
Classification: Likely benign for ARHGEF4-related condition. Last evaluated: 2019-07-24. Review status: no assertion criteria provided. Collection method: clinical testing. Allele origin: germline.
Comment: This variant is classified as likely benign based on ACMG/AMP sequence variant interpretation guidelines (Richards et al. 2015 PMID: 25741868, with internal and published modifications).